The following is an entry in ClinVar:

NM_001297595.2(SIN3B):c.2067G>C (p.Gln689His)

Gene: SIN3B (SIN3 transcription regulator family member B; plus strand). Cytogenetic location: 19p13.11.
Variant type: single nucleotide variant.
Coding change: c.2067G>C on transcript NM_001297595.2 (MANE Select); coding-DNA position 2067, G replaced by C.
Protein change: p.Gln689His; replaces glutamine 689 with histidine.
Molecular consequence: missense variant.
Genome position (GRCh38, 1-based): chr19:16,869,720, G>C. VCF-style: chr19-16869720-G-C. GRCh37 (hg19) VCF-style: chr19-16980531-G-C.
Other names: c.837G>C, p.Gln279His (NM_001297597.2); c.2163G>C, p.Gln721His (NM_015260.4); short protein forms Q279H, Q689H, Q721H.
Identifiers: ClinVar variation 3766327 (VCV003766327.1).
Genomic context (GRCh38, chr19:16,869,720, plus strand): 5'-TCAGCAGCTGGACCTGGGCGCCTCCGAGGAGTCAGCTGATGAGGACCGGGACAGCCCCCA[G>C]GGGCAGACCACAGACCCCAGTGAGCGGAAGAAGCCGGCGCCAGGACCCCACAGTAGCCCC-3'
Protein context (NP_001284524.1, residues 679-699): ESADEDRDSP[Gln689His]GQTTDPSERK

ClinVar aggregate classification (germline): Uncertain significance (1 of 4 stars; one submission).

Submission:

GeneDx
Classification: Uncertain significance. Last evaluated: 2024-08-27. Review status: criteria provided, single submitter. Criteria: GeneDx Variant Classification Process June 2021. Collection method: clinical testing. Allele origin: germline. Affected: yes.
Comment: Not observed at significant frequency in large population cohorts (gnomAD); In silico analysis indicates that this missense variant does not alter protein structure/function; Has not been previously published as pathogenic or benign to our knowledge